The following is an entry in ClinVar:

ClinVar aggregate classification (germline): Benign (1 of 4 stars; one submission).

Conditions:
Familial cancer of breast. Also called: hereditary breast carcinoma; Hereditary breast cancer; BREAST CANCER, FAMILIAL. Identifiers: Orphanet 227535, MedGen C0346153, MONDO:0016419, OMIM 114480. Disease mechanism: loss of function.

Submission:

Myriad Genetics, Inc.
Classification: Benign for Familial cancer of breast. Last evaluated: 2024-07-24. Review status: criteria provided, single submitter. Criteria: Myriad Autosomal Dominant, Autosomal Recessive and X-Linked Classification Criteria (2023). Collection method: clinical testing. Allele origin: unknown.
Comment: This variant is considered benign. This variant is a silent/synonymous amino acid change and it is not expected to impact splicing.

NM_000465.4(BARD1):c.1296C>T (p.Leu432=)

Gene: BARD1 (BRCA1 associated RING domain 1; minus strand). Cytogenetic location: 2q35.
Variant type: single nucleotide variant.
Coding change: c.1296C>T on transcript NM_000465.4 (MANE Select); coding-DNA position 1296, C replaced by T.
Protein change: p.Leu432=; no amino-acid change (leucine 432 retained).
Molecular consequence: synonymous variant. On other transcripts: non-coding transcript variant (2), intron variant (3).
Genome position (GRCh38, 1-based): chr2:214,780,578, G>A on the plus strand (C>T on the coding strand, the complement: BARD1 is on the minus strand). VCF-style: chr2-214780578-G-A. GRCh37 (hg19) VCF-style: chr2-215645302-G-A.
Other names: c.1239C>T, p.Leu413= (NM_001282543.2); c.159-28023C>T (NM_001282548.2); c.215+16483C>T (NM_001282545.2); c.364+11719C>T (NM_001282549.2).
Identifiers: ClinVar variation 3378589 (VCV003378589.1).